The following is an entry in ClinVar:

ClinVar aggregate classification (germline): Uncertain significance (1 of 4 stars; one submission).

Conditions:
Dilated cardiomyopathy 1DD (CMD1DD). Identifiers: Orphanet 154, MedGen C2750995, MONDO:0013168, OMIM 613172.

Allele frequency attached by ClinVar (database versions not stated): gnomAD exomes below 0.00001; TOPMed below 0.00001.
gnomAD v4.1: 1 of 1,550,636 alleles (0.000064%); highest among the groups gnomAD compares: Admixed American, 0.002%; no homozygotes.

Submission:

Labcorp Genetics (formerly Invitae), Labcorp
Classification: Uncertain significance for Dilated cardiomyopathy 1DD. Last evaluated: 2022-07-17. Review status: criteria provided, single submitter. Criteria: Invitae Variant Classification Sherloc (09022015). Collection method: clinical testing. Allele origin: germline.
Comment: This sequence change replaces proline, which is neutral and non-polar, with serine, which is neutral and polar, at codon 1135 of the RBM20 protein (p.Pro1135Ser). This variant is not present in population databases (gnomAD no frequency). This variant has not been reported in the literature in individuals affected with RBM20-related conditions. Advanced modeling of protein sequence and biophysical properties (such as structural, functional, and spatial information, amino acid conservation, physicochemical variation, residue mobility, and thermodynamic stability) performed at Invitae indicates that this missense variant is not expected to disrupt RBM20 protein function. In summary, the available evidence is currently insufficient to determine the role of this variant in disease. Therefore, it has been classified as a Variant of Uncertain Significance.

NM_001134363.3(RBM20):c.3403C>T (p.Pro1135Ser)

Gene: RBM20 (RNA binding motif protein 20; plus strand). Cytogenetic location: 10q25.2.
Variant type: single nucleotide variant.
Coding change: c.3403C>T on transcript NM_001134363.3 (MANE Select); coding-DNA position 3403, C replaced by T.
Protein change: p.Pro1135Ser; replaces proline 1135 with serine.
Molecular consequence: missense variant.
Genome position (GRCh38, 1-based): chr10:110,823,566, C>T. VCF-style: chr10-110823566-C-T. GRCh37 (hg19) VCF-style: chr10-112583324-C-T.
Other names: short protein forms P1135S.
Identifiers: ClinVar variation 2414778 (VCV002414778.2), dbSNP rs1844944890, ClinGen allele CA378384051.